The following is an entry in ClinVar:

NM_005257.6(GATA6):c.969CCA[12] (p.His333_Pro334insHisHis)

Gene: GATA6 (GATA binding protein 6; plus strand). Cytogenetic location: 18q11.2.
Variant type: Microsatellite.
Coding change: c.969CCA[12] on transcript NM_005257.6 (MANE Select); 12 copies in a row of the 3-base unit CCA starting at c.969; the reference has ten copies in a row; two copies, 6 bases duplicated.
Protein change: p.His333_Pro334insHisHis.
Genome position (GRCh38, 1-based): chr18:22,172,137-22,172,142, CCACCA duplicated; duplicating any 6 consecutive bases within chr18:22,172,112-22,172,142 gives the same sequence; the position shown is the placement nearest the transcript's 3' end. VCF-style (leftmost placement, unchanged base first): chr18-22172111-T-TACCACC. GRCh37 (hg19) VCF-style: chr18-19752072-T-TACCACC.
Identifiers: ClinVar variation 3718231 (VCV003718231.2).

ClinVar aggregate classification (germline): Uncertain significance (1 of 4 stars; one submission).

Conditions:
Atrioventricular septal defect 5 (AVSD5). Identifiers: MedGen C3280939, MONDO:0013769, OMIM 614474.

Submission:

Labcorp Genetics (formerly Invitae), Labcorp
Classification: Uncertain significance for Atrioventricular septal defect 5. Last evaluated: 2026-01-11. Review status: criteria provided, single submitter. Criteria: Invitae Variant Classification Sherloc (09022015). Collection method: clinical testing. Allele origin: germline.
Comment: This variant, c.993_998dup, results in the insertion of 2 amino acid(s) of the GATA6 protein (p.His332_His333dup), but otherwise preserves the integrity of the reading frame. The frequency data for this variant in the population databases is considered unreliable, as metrics indicate poor data quality at this position in the gnomAD database. This variant has not been reported in the literature in individuals affected with GATA6-related conditions. In summary, the available evidence is currently insufficient to determine the role of this variant in disease. Therefore, it has been classified as a Variant of Uncertain Significance.